The following is an entry in ClinVar:

NM_000540.3(RYR1):c.10019-6C>T

Gene: RYR1 (ryanodine receptor 1; plus strand). Cytogenetic location: 19q13.2.
Variant type: single nucleotide variant.
Coding change: c.10019-6C>T on transcript NM_000540.3 (MANE Select); 6 bases into the intron before coding-DNA position 10019, C replaced by T.
Molecular consequence: intron variant.
Genome position (GRCh38, 1-based): chr19:38,519,208, C>T. VCF-style: chr19-38519208-C-T. GRCh37 (hg19) VCF-style: chr19-39009848-C-T.
Other names: c.10019-6C>T (NM_001042723.2).
Identifiers: ClinVar variation 2894152 (VCV002894152.4), dbSNP rs1379172828, ClinGen allele CA633066393.

ClinVar aggregate classification (germline): Likely benign. Review status: criteria provided, multiple submitters, no conflicts (2 of 4 stars). 2 submissions from 2 submitters: Likely benign (2). Last evaluated 2024-07-29.

Conditions:
RYR1-related disorder. Also called: RYR1-related disorders; RYR1-related condition. Identifiers: MedGen CN239331.
Malignant hyperthermia, susceptibility to, 1 (MHS1). Also called: Anesthesia related hyperthermia; Malignant hyperpyrexia; Fulminating hyperpyrexia; Pharmacogenic myopathy; RYR1-Related Malignant Hyperthermia Susceptibility; Malignant hyperthermia suceptibility 1. Identifiers: Orphanet 423, MedGen C2930980, MONDO:0007783, OMIM 145600.

Allele frequency attached by ClinVar (database versions not stated): gnomAD exomes below 0.00001.
gnomAD v4.1: 1 of 1,614,120 alleles (0.000062%); highest among the groups gnomAD compares: Non-Finnish European, 0.000085%; no homozygotes.

Submissions (2):

All of Us Research Program, National Institutes of Health
Classification: Likely benign for Malignant hyperthermia, susceptibility to, 1. Last evaluated: 2024-07-29. Review status: criteria provided, single submitter. Criteria: ACMG Guidelines, 2015. Collection method: clinical testing. Allele origin: germline. Inheritance: Autosomal dominant inheritance. Observed: 2 variant alleles, 2 heterozygotes.
Comment: This study involves interpretation of variants in research participants for the purpose of population health screening. Participant phenotype was not available at the time of variant classification. Additional details can be found in publication PMID: 35346344, PMCID: PMC8962531

Labcorp Genetics (formerly Invitae), Labcorp
Classification: Likely benign for RYR1-related disorder. Last evaluated: 2024-02-03. Review status: criteria provided, single submitter. Criteria: Invitae Variant Classification Sherloc (09022015). Collection method: clinical testing. Allele origin: germline.